The following is an entry in ClinVar:

ClinVar aggregate classification (germline): Uncertain significance. Review status: criteria provided, multiple submitters, no conflicts (2 of 4 stars). 2 submissions from 2 submitters: Uncertain significance (2). Last evaluated 2022-10-04.

Conditions:
Autosomal recessive limb-girdle muscular dystrophy type 2E (LGMDR4). Also called: MUSCULAR DYSTROPHY, LIMB-GIRDLE, AUTOSOMAL RECESSIVE 4. Identifiers: Orphanet 119, MedGen C1858593, MONDO:0011423, OMIM 604286. Disease mechanism: Affects gamma-sarcoglycan and also disrupts the integrity of the entire sarcoglycan complex..
Inborn genetic diseases. Identifiers: MedGen C0950123, MeSH D030342.

Allele frequency attached by ClinVar (database versions not stated): gnomAD exomes 0.00001 and 0.00003; TOPMed 0.00001; ExAC 0.00002.
gnomAD v4.1: 12 of 1,613,854 alleles (0.00074%); highest among the groups gnomAD compares: Middle Eastern, 0.017%; no homozygotes.

Submissions (2):

Ambry Genetics
Classification: Uncertain significance for Inborn genetic diseases. Last evaluated: 2022-10-04. Review status: criteria provided, single submitter. Criteria: Ambry Variant Classification Scheme 2023. Collection method: clinical testing. Allele origin: germline.

Labcorp Genetics (formerly Invitae), Labcorp
Classification: Uncertain significance for Autosomal recessive limb-girdle muscular dystrophy type 2E. Last evaluated: 2022-02-04. Review status: criteria provided, single submitter. Criteria: Invitae Variant Classification Sherloc (09022015). Collection method: clinical testing. Allele origin: germline.
Comment: This sequence change replaces arginine, which is basic and polar, with histidine, which is basic and polar, at codon 23 of the SGCB protein (p.Arg23His). This variant is present in population databases (rs746363403, gnomAD 0.02%). This variant has not been reported in the literature in individuals affected with SGCB-related conditions. Algorithms developed to predict the effect of missense changes on protein structure and function are either unavailable or do not agree on the potential impact of this missense change (SIFT: "Tolerated"; PolyPhen-2: "Probably Damaging"; Align-GVGD: "Class C0"). In summary, the available evidence is currently insufficient to determine the role of this variant in disease. Therefore, it has been classified as a Variant of Uncertain Significance.

NM_000232.5(SGCB):c.68G>A (p.Arg23His)

Gene: SGCB (sarcoglycan beta; minus strand). Cytogenetic location: 4q12.
Variant type: single nucleotide variant.
Coding change: c.68G>A on transcript NM_000232.5 (MANE Select); coding-DNA position 68, G replaced by A.
Protein change: p.Arg23His; replaces arginine 23 with histidine.
Molecular consequence: missense variant.
Genome position (GRCh38, 1-based): chr4:52,033,606, C>T on the plus strand (G>A on the coding strand, the complement: SGCB is on the minus strand). VCF-style: chr4-52033606-C-T. GRCh37 (hg19) VCF-style: chr4-52899772-C-T.
Other names: c.68G>A (NM_000232.4); short protein forms R23H.
Identifiers: ClinVar variation 1518371 (VCV001518371.6), dbSNP rs746363403, ClinGen allele CA2918514.